The following is an entry in ClinVar:

ClinVar aggregate classification (germline): Uncertain significance. Review status: criteria provided, multiple submitters, no conflicts (2 of 4 stars). 2 submissions from 2 submitters: Uncertain significance (2). Last evaluated 2024-09-23.

Conditions:
Cardiovascular phenotype. Identifiers: MedGen CN230736.

Allele frequency attached by ClinVar (database versions not stated): gnomAD 0.00001; gnomAD exomes 0.00001; ExAC 0.00002.
gnomAD v4.1: 4 of 1,613,594 alleles (0.00025%); highest among the groups gnomAD compares: East Asian, 0.0045%; no homozygotes.

Submissions (2):

Blueprint Genetics
Classification: Uncertain significance. Last evaluated: 2024-09-23. Review status: criteria provided, single submitter. Criteria: ACMG Guidelines, 2015. Collection method: clinical testing. Allele origin: germline.

Ambry Genetics
Classification: Uncertain significance for Cardiovascular phenotype. Last evaluated: 2019-09-20. Review status: criteria provided, single submitter. Criteria: Ambry Variant Classification Scheme 2023. Collection method: clinical testing. Allele origin: germline.
Comment: The p.C19355R variant (also known as c.58063T>C), located in coding exon 153 of the TTN gene, results from a T to C substitution at nucleotide position 58063. The cysteine at codon 19355 is replaced by arginine, an amino acid with highly dissimilar properties. This amino acid position is well conserved in available vertebrate species. In addition, the in silico prediction for this alteration is inconclusive. Since supporting evidence is limited at this time, the clinical significance of this alteration remains unclear.

NM_001267550.2(TTN):c.85258T>C (p.Cys28420Arg)

Genes: TTN (titin; minus strand), TTN-AS1 (TTN antisense RNA 1; plus strand). Cytogenetic location: 2q31.2.
Variant type: single nucleotide variant.
Coding change: c.85258T>C on transcript NM_001267550.2 (MANE Select); coding-DNA position 85258, T replaced by C.
Protein change: p.Cys28420Arg; replaces cysteine 28420 with arginine.
Molecular consequence: missense variant.
Genome position (GRCh38, 1-based): chr2:178,560,874, A>G on the plus strand (T>C on the coding strand, the complement: TTN is on the minus strand). VCF-style: chr2-178560874-A-G. GRCh37 (hg19) VCF-style: chr2-179425601-A-G.
Other names: c.80335T>C, p.Cys26779Arg (NM_001256850.1); c.58063T>C, p.Cys19355Arg (NM_003319.4); c.77554T>C, p.Cys25852Arg (NM_133378.4); c.58438T>C, p.Cys19480Arg (NM_133432.3); c.58639T>C, p.Cys19547Arg (NM_133437.4); short protein forms C19355R, C19480R, C26779R, C19547R, C25852R, C28420R.
Identifiers: ClinVar variation 1749812 (VCV001749812.3), dbSNP rs773918512, ClinGen allele CA1988677.